The following is an entry in ClinVar:

ClinVar aggregate classification (germline): Uncertain significance (1 of 4 stars; one submission).

Conditions:
Fanconi anemia (FA). Also called: Fanconi's anemia. Identifiers: Orphanet 84, MedGen C0015625, MeSH D005199, MONDO:0019391.

Submission:

Labcorp Genetics (formerly Invitae), Labcorp
Classification: Uncertain significance for Fanconi anemia. Last evaluated: 2021-08-09. Review status: criteria provided, single submitter. Criteria: Invitae Variant Classification Sherloc (09022015). Collection method: clinical testing. Allele origin: germline.
Comment: This sequence change replaces phenylalanine with leucine at codon 1381 of the FANCM protein (p.Phe1381Leu). The phenylalanine residue is weakly conserved and there is a small physicochemical difference between phenylalanine and leucine. This variant has not been reported in the literature in individuals affected with FANCM-related conditions. This variant is not present in population databases (ExAC no frequency). In summary, the available evidence is currently insufficient to determine the role of this variant in disease. Therefore, it has been classified as a Variant of Uncertain Significance. Algorithms developed to predict the effect of missense changes on protein structure and function output the following: SIFT: "Tolerated"; PolyPhen-2: "Benign"; Align-GVGD: "Class C0". The leucine amino acid residue is found in multiple mammalian species, which suggests that this missense change does not adversely affect protein function.

NM_020937.4(FANCM):c.4143T>G (p.Phe1381Leu)

Gene: FANCM (FA complementation group M; plus strand). Cytogenetic location: 14q21.2.
Variant type: single nucleotide variant.
Coding change: c.4143T>G on transcript NM_020937.4 (MANE Select); coding-DNA position 4143, T replaced by G.
Protein change: p.Phe1381Leu; replaces phenylalanine 1381 with leucine.
Molecular consequence: missense variant.
Genome position (GRCh38, 1-based): chr14:45,176,897, T>G. VCF-style: chr14-45176897-T-G. GRCh37 (hg19) VCF-style: chr14-45646100-T-G.
Other names: c.4065T>G, p.Phe1355Leu (NM_001308133.2); short protein forms F1381L, F1355L.
Identifiers: ClinVar variation 1511585 (VCV001511585.6), dbSNP rs2139253752, ClinGen allele CA389604490.
Genomic context (GRCh38, chr14:45,176,897, plus strand): 5'-AGATTCTAGTAAGGAAAAAGTAAACCTACAAAGATTCAAAGAAGCATTGAATTCAACTTT[T>G]GATTATTCAGAATTTTCTCTAGAAAAGTCTAAAAGCAGTGGTCCAATGTATCTGCATAAA-3'
Protein context (NP_065988.1, residues 1371-1391): QRFKEALNST[Phe1381Leu]DYSEFSLEKS